The following is an entry in ClinVar:

ClinVar aggregate classification (germline): Uncertain significance. Review status: criteria provided, multiple submitters, no conflicts (2 of 4 stars). 2 submissions from 2 submitters: Uncertain significance (2). Last evaluated 2024-07-11.

Conditions:
Pancreatic adenocarcinoma. Identifiers: MedGen C0281361, MONDO:0006047, HP:0006725.

Allele frequency attached by ClinVar (database versions not stated): gnomAD exomes below 0.00001; TOPMed 0.00001.
gnomAD v4.1: 3 of 1,609,206 alleles (0.00019%); highest among the groups gnomAD compares: African/African-American, 0.0027%; no homozygotes.

Submissions (2):

Ambry Genetics
Classification: Uncertain significance. Last evaluated: 2024-07-11. Review status: criteria provided, single submitter. Criteria: Ambry Variant Classification Scheme 2023. Collection method: clinical testing. Allele origin: germline.
Comment: The p.K736R variant (also known as c.2207A>G), located in coding exon 12 of the PALLD gene, results from an A to G substitution at nucleotide position 2207. The lysine at codon 736 is replaced by arginine, an amino acid with highly similar properties. This amino acid position is conserved. In addition, the in silico prediction for this alteration is inconclusive. Since supporting evidence is limited at this time, the clinical significance of this alteration remains unclear.

Labcorp Genetics (formerly Invitae), Labcorp
Classification: Uncertain significance for Pancreatic adenocarcinoma. Last evaluated: 2024-03-07. Review status: criteria provided, single submitter. Criteria: Invitae Variant Classification Sherloc (09022015). Collection method: clinical testing. Allele origin: germline.
Comment: This sequence change replaces lysine, which is basic and polar, with arginine, which is basic and polar, at codon 249 of the PALLD protein (p.Lys249Arg). This variant is not present in population databases (gnomAD no frequency). This variant has not been reported in the literature in individuals affected with PALLD-related conditions. ClinVar contains an entry for this variant (Variation ID: 542936). An algorithm developed to predict the effect of missense changes on protein structure and function (PolyPhen-2) suggests that this variant is likely to be tolerated. In summary, the available evidence is currently insufficient to determine the role of this variant in disease. Therefore, it has been classified as a Variant of Uncertain Significance.

NM_001166108.2(PALLD):c.2258A>G (p.Lys753Arg)

Genes: CBR4 (carbonyl reductase 4; minus strand), PALLD (palladin, cytoskeletal associated protein; plus strand). Cytogenetic location: 4q32.3.
Variant type: single nucleotide variant.
Coding change: c.2258A>G on transcript NM_001166108.2 (MANE Select); coding-DNA position 2258, A replaced by G.
Protein change: p.Lys753Arg; replaces lysine 753 with arginine.
Molecular consequence: missense variant.
Genome position (GRCh38, 1-based): chr4:168,898,500, A>G. VCF-style: chr4-168898500-A-G. GRCh37 (hg19) VCF-style: chr4-169819651-A-G.
Other names: c.1061A>G, p.Lys354Arg (NM_001166109.2); c.746A>G, p.Lys249Arg (NM_001166110.2); c.86A>G, p.Lys29Arg (NM_001367567.1, NM_001367569.1); c.137A>G, p.Lys46Arg (NM_001367568.1, NM_001367570.1); c.2207A>G, p.Lys736Arg (NM_016081.4); short protein forms K249R, K736R, K29R, K753R, K354R, K46R.
Identifiers: ClinVar variation 542936 (VCV000542936.14), dbSNP rs1318598425, ClinGen allele CA358798544.